The following is an entry in ClinVar:

NM_006846.4(SPINK5):c.2762A>G (p.Asn921Ser)

Gene: SPINK5 (serine peptidase inhibitor Kazal type 5; plus strand). Cytogenetic location: 5q32.
Variant type: single nucleotide variant.
Coding change: c.2762A>G on transcript NM_006846.4 (MANE Select); coding-DNA position 2762, A replaced by G.
Protein change: p.Asn921Ser; replaces asparagine 921 with serine.
Molecular consequence: missense variant.
Genome position (GRCh38, 1-based): chr5:148,125,745, A>G. VCF-style: chr5-148125745-A-G. GRCh37 (hg19) VCF-style: chr5-147505308-A-G.
Other names: p.Asn921Ser; c.2852A>G, p.Asn951Ser (NM_001127698.2); short protein forms N921S, N951S.
Identifiers: ClinVar variation 351537 (VCV000351537.20), dbSNP rs73271166, ClinGen allele CA3496139.

ClinVar aggregate classification (germline): Benign/Likely benign. Review status: criteria provided, multiple submitters, no conflicts (2 of 4 stars). 6 submissions from 6 submitters: Benign (4); Likely benign (2). Last evaluated 2026-02-12.

Conditions:
Ichthyosis linearis circumflexa. Identifiers: MedGen C0265962, MONDO:0043106, HP:0025810.
Netherton syndrome (NETH). Also called: ERYTHRODERMA, ICHTHYOSIFORM, WITH HYPOTRICHOSIS AND HYPER-IgE; COMEL-NETHERTON SYNDROME; NETHERTON DISEASE. Identifiers: Orphanet 634, MedGen C5574950, MONDO:0009735, OMIM 256500.

Allele frequency attached by ClinVar (database versions not stated): ExAC 0.00398; ESP Exome Variant Server 0.01375; gnomAD 0.01455 and 0.01566; 1000 Genomes Project 0.01478; gnomAD exomes 0.00128 and 0.00327; TOPMed 0.01604; 1000 Genomes Project 30x 0.01640.
gnomAD v4.1: 4,141 of 1,614,128 alleles (0.26%); highest among the groups gnomAD compares: African/African-American, 4.9%; 99 homozygotes.

Submissions (6):

Women's Health and Genetics/Laboratory Corporation of America, LabCorp
Classification: Likely benign. Last evaluated: 2026-02-12. Review status: criteria provided, single submitter. Criteria: LabCorp Variant Classification Summary - May 2015. Collection method: clinical testing. Allele origin: germline.
Comment: Variant summary: SPINK5 c.2852A>G (p.Asn951Ser) results in a conservative amino acid change in the encoded protein sequence. Algorithms developed to predict the effect of missense changes on protein structure and function all suggest that this variant is likely to be tolerated. The variant allele was found at a frequency of 0.0033 in 249532 control chromosomes, predominantly at a frequency of 0.048 within the African or African-American subpopulation in the gnomAD database, including 15 homozygotes. The observed variant frequency within African or African-American control individuals in the gnomAD database exceeds the estimated maximal expected allele frequency for disease-causing variants in SPINK5. To our knowledge, no occurrence of c.2852A>G in individuals affected with SPINK5-related conditions and no experimental evidence demonstrating its impact on protein function have been reported. ClinVar contains an entry for this variant (Variation ID: 351537). Based on the evidence outlined above, the variant was classified as likely benign.

Labcorp Genetics (formerly Invitae), Labcorp
Classification: Benign for Ichthyosis linearis circumflexa. Last evaluated: 2026-01-28. Review status: criteria provided, single submitter. Criteria: Invitae Variant Classification Sherloc (09022015). Collection method: clinical testing. Allele origin: germline.

Fulgent Genetics
Classification: Likely benign for Netherton syndrome. Last evaluated: 2022-02-18. Review status: criteria provided, single submitter. Criteria: ACMG Guidelines, 2015. Collection method: clinical testing. Allele origin: unknown.

Mayo Clinic Laboratories, Mayo Clinic
Classification: Benign. Last evaluated: 2019-08-01. Review status: criteria provided, single submitter. Criteria: ACMG Guidelines, 2015. Collection method: clinical testing. Allele origin: germline. Observed: 2 variant alleles.

Illumina Laboratory Services, Illumina
Classification: Benign for Netherton syndrome. Last evaluated: 2018-01-12. Review status: criteria provided, single submitter. Criteria: ICSL Variant Classification Criteria 13 December 2019. Collection method: clinical testing. Allele origin: germline.
Comment: This variant was observed in the ICSL laboratory as part of a predisposition screen in an ostensibly healthy population. It had not been previously curated by ICSL or reported in the Human Gene Mutation Database (HGMD: prior to June 1st, 2018), and was therefore a candidate for classification through an automated scoring system. Utilizing variant allele frequency, disease prevalence and penetrance estimates, and inheritance mode, an automated score was calculated to assess if this variant is too frequent to cause the disease. Based on the score and internal cut-off values, a variant classified as benign is not then subjected to further curation. The score for this variant resulted in a classification of benign for this disease.

GeneDx
Classification: Benign. Last evaluated: 2015-03-03. Review status: criteria provided, single submitter. Criteria: GeneDx Variant Classification Process June 2021. Collection method: clinical testing. Allele origin: germline. Affected: yes.